The following is an entry in ClinVar:

ClinVar aggregate classification (germline): Uncertain significance (1 of 4 stars; one submission).

Submission:

GeneDx
Classification: Uncertain significance. Last evaluated: 2023-11-21. Review status: criteria provided, single submitter. Criteria: GeneDx Variant Classification Process June 2021. Collection method: clinical testing. Allele origin: germline. Affected: yes.
Comment: Not observed at significant frequency in large population cohorts (gnomAD); In silico analysis supports that this missense variant does not alter protein structure/function; Has not been previously published as pathogenic or benign to our knowledge

NM_015046.7(SETX):c.6321A>G (p.Ile2107Met)

Gene: SETX (senataxin; minus strand). Cytogenetic location: 9q34.13.
Variant type: single nucleotide variant.
Coding change: c.6321A>G on transcript NM_015046.7 (MANE Select); coding-DNA position 6321, A replaced by G.
Protein change: p.Ile2107Met; replaces isoleucine 2107 with methionine.
Molecular consequence: missense variant.
Genome position (GRCh38, 1-based): chr9:132,288,239, T>C on the plus strand (A>G on the coding strand, the complement: SETX is on the minus strand). VCF-style: chr9-132288239-T-C. GRCh37 (hg19) VCF-style: chr9-135163626-T-C.
Other names: c.6321A>G, p.Ile2107Met (NM_001351527.2, NM_001351528.2); short protein forms I2107M.
Identifiers: ClinVar variation 3364358 (VCV003364358.1).